The following is an entry in ClinVar:

NM_181523.3(PIK3R1):c.1985+3A>G

Gene: PIK3R1 (phosphoinositide-3-kinase regulatory subunit 1; plus strand). Cytogenetic location: 5q13.1.
Variant type: single nucleotide variant.
Coding change: c.1985+3A>G on transcript NM_181523.3 (MANE Select); 3 bases into the intron after coding-DNA position 1985, A replaced by G.
Molecular consequence: intron variant.
Genome position (GRCh38, 1-based): chr5:68,296,344, A>G. VCF-style: chr5-68296344-A-G. GRCh37 (hg19) VCF-style: chr5-67592172-A-G.
Other names: c.1085+3A>G (NM_181524.2); c.1175+3A>G (NM_181504.4); c.896+3A>G (NM_001242466.2).
Identifiers: ClinVar variation 1998018 (VCV001998018.4), dbSNP rs542698066, ClinGen allele CA3290520.

ClinVar aggregate classification (germline): Uncertain significance (1 of 4 stars; one submission).

Conditions:
SHORT syndrome. Also called: SHORT STATURE, HYPEREXTENSIBILITY, HERNIA, OCULAR DEPRESSION, RIEGER ANOMALY, AND TEETHING DELAY; PIK3R1-Related SHORT Syndrome; LIPODYSTROPHY, PARTIAL, WITH RIEGER ANOMALY AND SHORT STATURE. Identifiers: Orphanet 3163, MedGen C0878684, MONDO:0010026, OMIM 269880.
Agammaglobulinemia 7, autosomal recessive (AGM7). Also called: AGAMMAGLOBULINEMIA, AUTOSOMAL RECESSIVE, DUE TO PIK3R1 DEFECT. Identifiers: MedGen C3554689, MONDO:0014083, OMIM 615214.
Immunodeficiency 36 with lymphoproliferation. Also called: ACTIVATED PI3K-DELTA SYNDROME 2; Immunodeficiency 36; Activated PI3K Delta Syndrome Type 2 (APDS2). Identifiers: Orphanet 397596, Orphanet 693681, MedGen C4014934, MONDO:0014453, OMIM 616005.

Allele frequency attached by ClinVar (database versions not stated): ExAC 0.00001; gnomAD 0.00001; gnomAD exomes 0.00001; 1000 Genomes Project 0.00020; 1000 Genomes Project 30x 0.00031.
gnomAD v4.1: 10 of 1,597,770 alleles (0.00063%); highest among the groups gnomAD compares: South Asian, 0.0011%; no homozygotes.

Submission:

Labcorp Genetics (formerly Invitae), Labcorp
Classification: Uncertain significance for SHORT syndrome; Immunodeficiency 36 with lymphoproliferation; Agammaglobulinemia 7, autosomal recessive. Last evaluated: 2023-09-23. Review status: criteria provided, single submitter. Criteria: Invitae Variant Classification Sherloc (09022015). Collection method: clinical testing. Allele origin: germline.
Comment: In summary, the available evidence is currently insufficient to determine the role of this variant in disease. Therefore, it has been classified as a Variant of Uncertain Significance. Variants that disrupt the consensus splice site are a relatively common cause of aberrant splicing (PMID: 17576681, 9536098). Algorithms developed to predict the effect of sequence changes on RNA splicing suggest that this variant may disrupt the consensus splice site. This sequence change falls in intron 15 of the PIK3R1 gene. It does not directly change the encoded amino acid sequence of the PIK3R1 protein. It affects a nucleotide within the consensus splice site. This variant is present in population databases (rs542698066, gnomAD 0.002%). This variant has not been reported in the literature in individuals affected with PIK3R1-related conditions. ClinVar contains an entry for this variant (Variation ID: 1998018).

Literature cited by the submitters: PubMed 17576681; PubMed 9536098.